The following is an entry in ClinVar:

NM_000256.3(MYBPC3):c.1927G>C (p.Glu643Gln)

Gene: MYBPC3 (myosin binding protein C3; minus strand). Cytogenetic location: 11p11.2.
Variant type: single nucleotide variant.
Coding change: c.1927G>C on transcript NM_000256.3 (MANE Select); coding-DNA position 1927, G replaced by C.
Protein change: p.Glu643Gln; replaces glutamic acid 643 with glutamine.
Molecular consequence: missense variant.
Genome position (GRCh38, 1-based): chr11:47,341,003, C>G on the plus strand (G>C on the coding strand, the complement: MYBPC3 is on the minus strand). VCF-style: chr11-47341003-C-G. GRCh37 (hg19) VCF-style: chr11-47362554-C-G.
Other names: short protein forms E643Q.
Identifiers: ClinVar variation 1488012 (VCV001488012.10), dbSNP rs1555121871, ClinGen allele CA380323210.

ClinVar aggregate classification (germline): Uncertain significance. Review status: criteria provided, multiple submitters, no conflicts (2 of 4 stars). 2 submissions from 2 submitters: Uncertain significance (2). Last evaluated 2024-10-20.

Conditions:
Cardiovascular phenotype. Identifiers: MedGen CN230736.
Hypertrophic cardiomyopathy. Also called: HYPERTROPHIC MYOCARDIOPATHY. Identifiers: Orphanet 217569, MedGen C0007194, MeSH D002312, MONDO:0005045, HP:0001639.

Submissions (2):

Labcorp Genetics (formerly Invitae), Labcorp
Classification: Uncertain significance for Hypertrophic cardiomyopathy. Last evaluated: 2024-10-20. Review status: criteria provided, single submitter. Criteria: Invitae Variant Classification Sherloc (09022015). Collection method: clinical testing. Allele origin: germline.
Comment: This sequence change replaces glutamic acid, which is acidic and polar, with glutamine, which is neutral and polar, at codon 643 of the MYBPC3 protein (p.Glu643Gln). This variant also falls at the last nucleotide of exon 20, which is part of the consensus splice site for this exon. This variant is not present in population databases (gnomAD no frequency). This variant has not been reported in the literature in individuals affected with MYBPC3-related conditions. ClinVar contains an entry for this variant (Variation ID: 1488012). An algorithm developed to predict the effect of missense changes on protein structure and function (PolyPhen-2) suggests that this variant is likely to be disruptive. Variants that disrupt the consensus splice site are a relatively common cause of aberrant splicing (PMID: 17576681, 9536098). In summary, the available evidence is currently insufficient to determine the role of this variant in disease. Therefore, it has been classified as a Variant of Uncertain Significance.

Ambry Genetics
Classification: Uncertain significance for Cardiovascular phenotype. Last evaluated: 2020-01-06. Review status: criteria provided, single submitter. Criteria: Ambry Variant Classification Scheme 2023. Collection method: clinical testing. Allele origin: germline.
Comment: The p.E643Q variant (also known as c.1927G>C), located in coding exon 20 of the MYBPC3 gene, results from a G to C substitution at nucleotide position 1927. The amino acid change results in glutamic acid to glutamine at codon 643, an amino acid with highly similar properties. However, this change occurs in the last base pair of coding exon 20, which makes it likely to have some effect on normal mRNA splicing. The amino acid and nucleotide positions are well conserved and highly conserved in available vertebrate species, respectively. Using two different splice site prediction tools, this alteration is predicted by ESEfinder to weaken the efficiency of the native splice donor site, but is not predicted to have a deleterious effect on this splice donor site by BDGP; however, direct evidence is unavailable. In addition, the amino acid change is predicted to be tolerated by in silico analysis. Since supporting evidence is limited at this time, the clinical significance of this alteration remains unclear.

Literature cited by the submitters: PubMed 17576681 (cited by Labcorp Genetics (formerly Invitae), Labcorp); PubMed 9536098 (cited by Labcorp Genetics (formerly Invitae), Labcorp).